The following is an entry in ClinVar:

ClinVar aggregate classification (germline): Likely benign (1 of 4 stars; one submission).

Allele frequency attached by ClinVar (database versions not stated): 1000 Genomes Project 30x 0.00042; gnomAD 0.00050; 1000 Genomes Project 0.00053; TOPMed 0.00060; ExAC 0.00081; ESP Exome Variant Server 0.00083; gnomAD exomes 0.00097.
gnomAD v4.1: 1,106 of 1,161,048 alleles (0.095%); highest among the groups gnomAD compares: Middle Eastern, 0.21%; 1 homozygote.

Submission:

CeGaT Center for Human Genetics Tuebingen
Classification: Likely benign. Last evaluated: 2022-10-01. Review status: criteria provided, single submitter. Criteria: CeGaT Center For Human Genetics Tuebingen Variant Classification Criteria Version 2. Collection method: clinical testing. Allele origin: germline. Affected: yes. Observed: 1 variant allele.
Comment: RBMXL3: BP4, BP7

NM_001145346.2(RBMXL3):c.921C>T (p.Tyr307=)

Genes: LRCH2 (leucine rich repeats and calponin homology domain containing 2; minus strand), RBMXL3 (RBMX like 3; plus strand). Cytogenetic location: Xq23.
Variant type: single nucleotide variant.
Coding change: c.921C>T on transcript NM_001145346.2 (MANE Select); coding-DNA position 921, C replaced by T.
Protein change: p.Tyr307=; no amino-acid change (tyrosine 307 retained).
Molecular consequence: synonymous variant. On other transcripts: intron variant (2).
Genome position (GRCh38, 1-based): chrX:115,190,362, C>T. VCF-style: chrX-115190362-C-T. GRCh37 (hg19) VCF-style: chrX-114424925-C-T.
Other names: c.350-1992G>A (NM_001243963.2, NM_020871.4).
Identifiers: ClinVar variation 2661232 (VCV002661232.24), dbSNP rs371343556, ClinGen allele CA10496205.